The following is an entry in ClinVar:

NM_000393.5(COL5A2):c.2770-15del

Gene: COL5A2 (collagen type V alpha 2 chain; minus strand). Cytogenetic location: 2q32.2.
Variant type: Deletion.
Coding change: c.2770-15del on transcript NM_000393.5 (MANE Select); 15 bases into the intron before coding-DNA position 2770, one base deleted (T; older notation c.2770-15delT).
Molecular consequence: intron variant.
Genome position (GRCh38, 1-based): chr2:189,051,496, A deleted on the plus strand (T on the coding strand, the reverse complement: COL5A2 is on the minus strand); the first of 3 consecutive A bases (chr2:189,051,496-189,051,498); deleting any one gives the same sequence. VCF-style (leftmost placement, unchanged base first): chr2-189051495-GA-G. GRCh37 (hg19) VCF-style: chr2-189916221-GA-G.
Other names: c.2770-15delT (NM_000393.5, NM_000393.3).
Identifiers: ClinVar variation 213081 (VCV000213081.22), dbSNP rs577038385, ClinGen allele CA325149.

ClinVar aggregate classification (germline): Benign/Likely benign. Review status: criteria provided, multiple submitters, no conflicts (2 of 4 stars). 6 submissions from 6 submitters: Benign (3); Likely benign (3). Last evaluated 2026-01-26.

Conditions:
Ehlers-Danlos syndrome, classic type, 1 (EDSCL1). Also called: EHLERS-DANLOS SYNDROME, GRAVIS TYPE; EHLERS-DANLOS SYNDROME, SEVERE CLASSIC TYPE; Ehlers-Danlos syndrome, type 1; Ehlers-Danlos Syndrome, Classic Type, COL5A1-Related; EDS I. Identifiers: MedGen C0268335, MONDO:0019567, OMIM 130000.
Ehlers-Danlos syndrome, classic type, 2 (EDSCL2). Also called: Ehlers-Danlos syndrome, type 2; Ehlers-Danlos syndrome type 2 (formerly); Ehlers-Danlos Syndrome, Classic Type, COL5A2-Related. Identifiers: Orphanet 287, Orphanet 90318, MedGen C0268336, MONDO:0019568, OMIM 130010.

Submissions (6):

Labcorp Genetics (formerly Invitae), Labcorp
Classification: Benign for Ehlers-Danlos syndrome, classic type, 1. Last evaluated: 2026-01-26. Review status: criteria provided, single submitter. Criteria: Invitae Variant Classification Sherloc (09022015). Collection method: clinical testing. Allele origin: germline.

ARUP Laboratories, Molecular Genetics and Genomics, ARUP Laboratories
Classification: Likely benign for Ehlers-Danlos syndrome, classic type, 2. Last evaluated: 2025-06-12. Review status: criteria provided, single submitter. Criteria: ARUP Molecular Germline Variant Investigation Process 2024. Collection method: clinical testing. Allele origin: germline.

Blueprint Genetics
Classification: Likely benign. Last evaluated: 2024-10-30. Review status: criteria provided, single submitter. Criteria: ACMG Guidelines, 2015. Collection method: clinical testing. Allele origin: germline.

Women's Health and Genetics/Laboratory Corporation of America, LabCorp
Classification: Benign. Last evaluated: 2023-12-18. Review status: criteria provided, single submitter. Criteria: LabCorp Variant Classification Summary - May 2015. Collection method: clinical testing. Allele origin: germline.
Comment: Variant summary: COL5A2 c.2770-15delT alters a non-conserved nucleotide located at a position not widely known to affect splicing. Consensus agreement among computation tools predict no significant impact on normal splicing. However, these predictions have yet to be confirmed by functional studies. The variant allele was found at a frequency of 0.0005 in 227710 control chromosomes. The observed variant frequency is approximately 80.1 fold of the estimated maximal expected allele frequency for a pathogenic variant in COL5A2 causing Ehlers-Danlos Syndrome phenotype (6.3e-06), strongly suggesting that the variant is benign. To our knowledge, no occurrence of c.2770-15delT in individuals affected with Ehlers-Danlos Syndrome and no experimental evidence demonstrating its impact on protein function have been reported. Three submitters have cited clinical-significance assessments for this variant to ClinVar after 2014. All submitters classified the variant as benign/likely benign. Based on the evidence outlined above, the variant was classified as benign.

GeneDx
Classification: Benign. Last evaluated: 2015-03-03. Review status: criteria provided, single submitter. Criteria: GeneDx Variant Classification (06012015). Collection method: clinical testing. Allele origin: germline. Affected: yes.
Comment: This variant was found in TAAD,TAADV2-1

PreventionGenetics, part of Exact Sciences
Classification: Likely benign. Review status: criteria provided, single submitter. Criteria: ACMG Guidelines, 2015. Collection method: clinical testing. Allele origin: germline.